The following is an entry in ClinVar:

ClinVar aggregate classification (germline): Likely benign (1 of 4 stars; one submission).

Submission:

CeGaT Center for Human Genetics Tuebingen
Classification: Likely benign. Last evaluated: 2024-09-01. Review status: criteria provided, single submitter. Criteria: CeGaT Center For Human Genetics Tuebingen Variant Classification Criteria Version 2. Collection method: clinical testing. Allele origin: germline. Affected: yes. Observed: 1 variant allele.
Comment: RLIM: BP3, BS2

NM_016120.4(RLIM):c.1383CAGTTC[3] (p.Ser476_Pro477insSerSer)

Gene: RLIM (ring finger protein, LIM domain interacting; minus strand). Cytogenetic location: Xq13.2.
Variant type: Microsatellite.
Coding change: c.1383CAGTTC[3] on transcript NM_016120.4 (MANE Select); three copies in a row of the 6-base unit CAGTTC starting at c.1383; the reference has two copies in a row; one copy, 6 bases duplicated.
Protein change: p.Ser476_Pro477insSerSer.
Molecular consequence: inframe insertion.
Genome position (GRCh38, 1-based): chrX:74,591,921-74,591,926, GAACTG duplicated on the plus strand (CAGTTC on the coding strand, the reverse complement: RLIM is on the minus strand); duplicating any 6 consecutive bases within chrX:74,591,921-74,591,937 gives the same sequence; the position shown is the placement nearest the transcript's 3' end. VCF-style (leftmost placement, unchanged base first): chrX-74591920-C-CGAACTG. GRCh37 (hg19) VCF-style: chrX-73811755-C-CGAACTG.
Other names: c.1383CAGTTC[3], p.Ser476_Pro477insSerSer (NM_183353.3).
Identifiers: ClinVar variation 3389051 (VCV003389051.14).